The following is an entry in ClinVar:

ClinVar aggregate classification (germline): Likely benign (0 of 4 stars; one submission).

Conditions:
NRP1-related disorder. Also called: NRP1-related condition.

Allele frequency attached by ClinVar (database versions not stated): TOPMed 0.00005; gnomAD 0.00006; ExAC 0.00007; gnomAD exomes 0.00012; ESP Exome Variant Server 0.00015; 1000 Genomes Project 30x 0.00031.
gnomAD v4.1: 181 of 1,612,778 alleles (0.011%); highest among the groups gnomAD compares: Non-Finnish European, 0.015%; no homozygotes.

Submission:

PreventionGenetics, part of Exact Sciences
Classification: Likely benign for NRP1-related condition. Last evaluated: 2022-09-08. Review status: no assertion criteria provided. Collection method: clinical testing. Allele origin: germline.
Comment: This variant is classified as likely benign based on ACMG/AMP sequence variant interpretation guidelines (Richards et al. 2015 PMID: 25741868, with internal and published modifications).

NM_003873.7(NRP1):c.456A>G (p.Thr152=)

Genes: NRP1 (neuropilin 1; minus strand), LOC126860910 (P300/CBP strongly-dependent group 1 enhancer GRCh37_chr10:33552654-33553853; plus strand). Cytogenetic location: 10p11.22.
Variant type: single nucleotide variant.
Coding change: c.456A>G on transcript NM_003873.7 (MANE Select); coding-DNA position 456, A replaced by G.
Protein change: p.Thr152=; no amino-acid change (threonine 152 retained).
Molecular consequence: synonymous variant. On other transcripts: non-coding transcript variant (1).
Genome position (GRCh38, 1-based): chr10:33,263,848, T>C on the plus strand (A>G on the coding strand, the complement: NRP1 is on the minus strand). VCF-style: chr10-33263848-T-C. GRCh37 (hg19) VCF-style: chr10-33552776-T-C.
Other names: c.456A>G, p.Thr152= (NM_001024628.3, NM_001024629.3, NM_001244972.2 and 2 more transcripts).
Identifiers: ClinVar variation 3054218 (VCV003054218.2), dbSNP rs200959306, ClinGen allele CA5466949.